The following is an entry in ClinVar:

NM_012193.4(FZD4):c.1490C>G (p.Ser497Cys)

Genes: FZD4 (frizzled class receptor 4; minus strand), PRSS23 (serine protease 23; plus strand). Cytogenetic location: 11q14.2.
Variant type: single nucleotide variant.
Coding change: c.1490C>G on transcript NM_012193.4 (MANE Select); coding-DNA position 1490, C replaced by G.
Protein change: p.Ser497Cys; replaces serine 497 with cysteine.
Molecular consequence: missense variant. On other transcripts: non-coding transcript variant (2).
Genome position (GRCh38, 1-based): chr11:86,951,266, G>C on the plus strand (C>G on the coding strand, the complement: FZD4 is on the minus strand). VCF-style: chr11-86951266-G-C. GRCh37 (hg19) VCF-style: chr11-86662308-G-C.
Other names: short protein forms S497C.
Identifiers: ClinVar variation 1504097 (VCV001504097.9), dbSNP rs80358300, ClinGen allele CA6218314.

ClinVar aggregate classification (germline): Uncertain significance. Review status: criteria provided, multiple submitters, no conflicts (2 of 4 stars). 2 submissions from 2 submitters: Uncertain significance (2). Last evaluated 2024-12-31.

Allele frequency attached by ClinVar (database versions not stated): TOPMed below 0.00001; gnomAD exomes 0.00001 and 0.00002; ExAC 0.00002.
gnomAD v4.1: 8 of 1,614,142 alleles (0.0005%); highest among the groups gnomAD compares: Non-Finnish European, 0.00068%; no homozygotes.

Submissions (2):

Labcorp Genetics (formerly Invitae), Labcorp
Classification: Uncertain significance. Last evaluated: 2024-12-31. Review status: criteria provided, single submitter. Criteria: Invitae Variant Classification Sherloc (09022015). Collection method: clinical testing. Allele origin: germline.
Comment: This sequence change replaces serine, which is neutral and polar, with cysteine, which is neutral and slightly polar, at codon 497 of the FZD4 protein (p.Ser497Cys). This variant is present in population databases (rs80358300, gnomAD 0.004%). This variant has not been reported in the literature in individuals affected with FZD4-related conditions. ClinVar contains an entry for this variant (Variation ID: 1504097). Invitae Evidence Modeling of protein sequence and biophysical properties (such as structural, functional, and spatial information, amino acid conservation, physicochemical variation, residue mobility, and thermodynamic stability) indicates that this missense variant is not expected to disrupt FZD4 protein function with a negative predictive value of 80%. This variant disrupts the p.Ser497 amino acid residue in FZD4. Other variant(s) that disrupt this residue have been observed in individuals with FZD4-related conditions (PMID: 15223780, 38280677), which suggests that this may be a clinically significant amino acid residue. In summary, the available evidence is currently insufficient to determine the role of this variant in disease. Therefore, it has been classified as a Variant of Uncertain Significance.

Blueprint Genetics
Classification: Uncertain significance. Last evaluated: 2020-11-03. Review status: criteria provided, single submitter. Criteria: ACMG Guidelines, 2015. Collection method: clinical testing. Allele origin: germline.

Literature cited by the submitters: PubMed 15223780 (cited by Labcorp Genetics (formerly Invitae), Labcorp); PubMed 38280677 (cited by Labcorp Genetics (formerly Invitae), Labcorp).